The following is an entry in ClinVar:

NM_000232.5(SGCB):c.524C>A (p.Thr175Asn)

Gene: SGCB (sarcoglycan beta; minus strand). Cytogenetic location: 4q12.
Variant type: single nucleotide variant.
Coding change: c.524C>A on transcript NM_000232.5 (MANE Select); coding-DNA position 524, C replaced by A.
Protein change: p.Thr175Asn; replaces threonine 175 with asparagine.
Molecular consequence: missense variant.
Genome position (GRCh38, 1-based): chr4:52,028,827, G>T on the plus strand (C>A on the coding strand, the complement: SGCB is on the minus strand). VCF-style: chr4-52028827-G-T. GRCh37 (hg19) VCF-style: chr4-52894993-G-T.
Other names: short protein forms T175N.
Identifiers: ClinVar variation 2048758 (VCV002048758.1), dbSNP rs2475221794, ClinGen allele CA356876901.

ClinVar aggregate classification (germline): Uncertain significance (1 of 4 stars; one submission).

Conditions:
Autosomal recessive limb-girdle muscular dystrophy type 2E (LGMDR4). Also called: MUSCULAR DYSTROPHY, LIMB-GIRDLE, AUTOSOMAL RECESSIVE 4. Identifiers: Orphanet 119, MedGen C1858593, MONDO:0011423, OMIM 604286. Disease mechanism: Affects gamma-sarcoglycan and also disrupts the integrity of the entire sarcoglycan complex..

Submission:

Labcorp Genetics (formerly Invitae), Labcorp
Classification: Uncertain significance for Autosomal recessive limb-girdle muscular dystrophy type 2E. Last evaluated: 2022-03-01. Review status: criteria provided, single submitter. Criteria: Invitae Variant Classification Sherloc (09022015). Collection method: clinical testing. Allele origin: germline.
Comment: This sequence change replaces threonine, which is neutral and polar, with asparagine, which is neutral and polar, at codon 175 of the SGCB protein (p.Thr175Asn). This variant is not present in population databases (gnomAD no frequency). This variant has not been reported in the literature in individuals affected with SGCB-related conditions. Algorithms developed to predict the effect of missense changes on protein structure and function (SIFT, PolyPhen-2, Align-GVGD) all suggest that this variant is likely to be tolerated. In summary, the available evidence is currently insufficient to determine the role of this variant in disease. Therefore, it has been classified as a Variant of Uncertain Significance.